The following is an entry in ClinVar:

ClinVar aggregate classification (germline): Uncertain significance. Review status: criteria provided, single submitter (1 of 4 stars). 2 submissions from 2 submitters: Uncertain significance (1). 1 of the submissions does not count toward it. Last evaluated 2025-03-26.

Conditions:
SCN9A-related disorder. Also called: SCN9A-related disorders; SCN9A-related condition.
Neuropathy, hereditary sensory and autonomic, type 2A (HSAN2A). Also called: ACROOSTEOLYSIS, GIACCAI TYPE; ACROOSTEOLYSIS, NEUROGENIC; HSAN IIA; WNK1-Related HSAN2 (HSAN2A); MORVAN DISEASE; NEUROPATHY, CONGENITAL SENSORY. Identifiers: Orphanet 970, MedGen C2752089, MONDO:0024309, OMIM 201300.
Generalized epilepsy with febrile seizures plus, type 7 (GEFSP7). Also called: GEFS+, TYPE 7. Identifiers: Orphanet 36387, MedGen C2751778, MONDO:0013470, OMIM 613863.

Submissions (2):

Labcorp Genetics (formerly Invitae), Labcorp
Classification: Uncertain significance for Neuropathy, hereditary sensory and autonomic, type 2A; Generalized epilepsy with febrile seizures plus, type 7. Last evaluated: 2025-03-26. Review status: criteria provided, single submitter. Criteria: Invitae Variant Classification Sherloc (09022015). Collection method: clinical testing. Allele origin: germline.
Comment: This sequence change replaces phenylalanine, which is neutral and non-polar, with leucine, which is neutral and non-polar, at codon 557 of the SCN9A protein (p.Phe557Leu). This variant is not present in population databases (gnomAD no frequency). This variant has not been reported in the literature in individuals affected with SCN9A-related conditions. ClinVar contains an entry for this variant (Variation ID: 3345361). Invitae Evidence Modeling of protein sequence and biophysical properties (such as structural, functional, and spatial information, amino acid conservation, physicochemical variation, residue mobility, and thermodynamic stability) indicates that this missense variant is not expected to disrupt SCN9A protein function with a negative predictive value of 95%. In summary, the available evidence is currently insufficient to determine the role of this variant in disease. Therefore, it has been classified as a Variant of Uncertain Significance.

PreventionGenetics, part of Exact Sciences
Classification: Uncertain significance for SCN9A-related condition. Last evaluated: 2024-05-09. Review status: no assertion criteria provided. Collection method: clinical testing. Allele origin: germline. Not counted in ClinVar's aggregate classification.
Comment: The SCN9A c.1671C>G variant is predicted to result in the amino acid substitution p.Phe557Leu. To our knowledge, this variant has not been reported in the literature or in a large population database, indicating this variant is rare. At this time, the clinical significance of this variant is uncertain due to the absence of conclusive functional and genetic evidence.

NM_001365536.1(SCN9A):c.1671C>G (p.Phe557Leu)

Genes: SCN1A-AS1 (SCN1A and SCN9A antisense RNA 1; plus strand), SCN9A (sodium voltage-gated channel alpha subunit 9; minus strand). Cytogenetic location: 2q24.3.
Variant type: single nucleotide variant.
Coding change: c.1671C>G on transcript NM_001365536.1 (MANE Select); coding-DNA position 1671, C replaced by G.
Protein change: p.Phe557Leu; replaces phenylalanine 557 with leucine.
Molecular consequence: missense variant.
Genome position (GRCh38, 1-based): chr2:166,284,756, G>C on the plus strand (C>G on the coding strand, the complement: SCN9A is on the minus strand). VCF-style: chr2-166284756-G-C. GRCh37 (hg19) VCF-style: chr2-167141266-G-C.
Other names: c.1671C>G, p.Phe557Leu (NM_002977.4); short protein forms F557L.
Identifiers: ClinVar variation 3345361 (VCV003345361.2).